The following is an entry in ClinVar:

ClinVar aggregate classification (germline): Uncertain significance. Review status: criteria provided, multiple submitters, no conflicts (2 of 4 stars). 2 submissions from 2 submitters: Uncertain significance (2). Last evaluated 2023-05-22.

Conditions:
Hereditary cancer-predisposing syndrome. Also called: Neoplastic Syndromes, Hereditary; Hereditary Cancer Syndrome; Tumor predisposition; Hereditary neoplastic syndrome. Identifiers: Orphanet 140162, MedGen C0027672, MeSH D009386, MONDO:0015356.

Allele frequency attached by ClinVar (database versions not stated): TOPMed below 0.00001.

Submissions (2):

Labcorp Genetics (formerly Invitae), Labcorp
Classification: Uncertain significance. Last evaluated: 2023-05-22. Review status: criteria provided, single submitter. Criteria: Invitae Variant Classification Sherloc (09022015). Collection method: clinical testing. Allele origin: germline.
Comment: This variant is not present in population databases (gnomAD no frequency). This variant has not been reported in the literature in individuals affected with CTNNA1-related conditions. ClinVar contains an entry for this variant (Variation ID: 1039936). Advanced modeling of protein sequence and biophysical properties (such as structural, functional, and spatial information, amino acid conservation, physicochemical variation, residue mobility, and thermodynamic stability) performed at Invitae indicates that this missense variant is not expected to disrupt CTNNA1 protein function. In summary, the available evidence is currently insufficient to determine the role of this variant in disease. Therefore, it has been classified as a Variant of Uncertain Significance. This sequence change replaces methionine, which is neutral and non-polar, with valine, which is neutral and non-polar, at codon 452 of the CTNNA1 protein (p.Met452Val).

Ambry Genetics
Classification: Uncertain significance for Hereditary cancer-predisposing syndrome. Last evaluated: 2022-12-19. Review status: criteria provided, single submitter. Criteria: Ambry Variant Classification Scheme 2023. Collection method: clinical testing. Allele origin: germline.
Comment: The p.M452V variant (also known as c.1354A>G), located in coding exon 9 of the CTNNA1 gene, results from an A to G substitution at nucleotide position 1354. The methionine at codon 452 is replaced by valine, an amino acid with highly similar properties. This amino acid position is conserved. In addition, the in silico prediction for this alteration is inconclusive. Since supporting evidence is limited at this time, the clinical significance of this alteration remains unclear.

NM_001903.5(CTNNA1):c.1354A>G (p.Met452Val)

Gene: CTNNA1 (catenin alpha 1; plus strand). Cytogenetic location: 5q31.2.
Variant type: single nucleotide variant.
Coding change: c.1354A>G on transcript NM_001903.5 (MANE Select); coding-DNA position 1354, A replaced by G.
Protein change: p.Met452Val; replaces methionine 452 with valine.
Molecular consequence: missense variant. On other transcripts: 5 prime UTR variant (4), initiator codon variant (2), intron variant (3).
Genome position (GRCh38, 1-based): chr5:138,904,406, A>G. VCF-style: chr5-138904406-A-G. GRCh37 (hg19) VCF-style: chr5-138240095-A-G.
Other names: c.244A>G, p.Met82Val (NM_001324002.1, NM_001324003.1, NM_001324004.1 and 17 more transcripts); c.-154A>G (NM_001324006.1, NM_001324007.1, NM_001324008.1 and 1 more transcripts); c.1A>G, p.Met1Val (NM_001324012.1, NM_001324013.1); c.1297-13336A>G (NM_001323986.2); c.187-13336A>G (NM_001324011.1); c.-60-13336A>G (NM_001324010.1); c.1354A>G (NM_001903.2); c.1354A>G, p.Met452Val (NM_001290307.3, NM_001323982.2, NM_001323983.1 and 2 more transcripts); and 2 more; short protein forms M329V, M452V, M1V, M82V, M349V.
Identifiers: ClinVar variation 1039936 (VCV001039936.11), dbSNP rs372832887, ClinGen allele CA361135978.